The following is an entry in ClinVar:

ClinVar aggregate classification (germline): Likely pathogenic (1 of 4 stars; one submission).

Conditions:
Senior-Loken syndrome 8 (SLSN8). Identifiers: Orphanet 3156, MedGen C4225376, MONDO:0014579, OMIM 616307.
Asphyxiating thoracic dystrophy 5 (SRTD5). Also called: SHORT-RIB THORACIC DYSPLASIA 5 WITH OR WITHOUT POLYDACTYLY; SHORT-RIB THORACIC DYSPLASIA 5 WITHOUT POLYDACTYLY. Identifiers: Orphanet 474, MedGen C3280598, MONDO:0013717, OMIM 614376.

Submission:

Labcorp Genetics (formerly Invitae), Labcorp
Classification: Likely pathogenic for Senior-Loken syndrome 8; Asphyxiating thoracic dystrophy 5. Last evaluated: 2024-12-28. Review status: criteria provided, single submitter. Criteria: Invitae Variant Classification Sherloc (09022015). Collection method: clinical testing. Allele origin: germline.
Comment: This sequence change affects an acceptor splice site in intron 17 of the WDR19 gene. It is expected to disrupt RNA splicing. Variants that disrupt the donor or acceptor splice site typically lead to a loss of protein function (PMID: 16199547), and loss-of-function variants in WDR19 are known to be pathogenic (PMID: 22019273, 23559409, 23683095, 26275793, 27241786, 29068549). This variant is not present in population databases (gnomAD no frequency). Disruption of this splice site has been observed in individual(s) with WDR19-related conditions (PMID: 31725169). ClinVar contains an entry for this variant (Variation ID: 2028358). Algorithms developed to predict the effect of sequence changes on RNA splicing suggest that this variant may disrupt the consensus splice site. In summary, the currently available evidence indicates that the variant is pathogenic, but additional data are needed to prove that conclusively. Therefore, this variant has been classified as Likely Pathogenic.

Literature cited by the submitters: PubMed 16199547; PubMed 22019273; PubMed 23559409; PubMed 23683095; PubMed 26275793; PubMed 27241786; PubMed 29068549; PubMed 31725169.

NM_025132.4(WDR19):c.1983-2A>C

Gene: WDR19 (WD repeat domain 19; plus strand). Cytogenetic location: 4p14.
Variant type: single nucleotide variant.
Coding change: c.1983-2A>C on transcript NM_025132.4 (MANE Select); the canonical splice acceptor site of the intron before coding-DNA position 1983, A replaced by C.
Molecular consequence: splice acceptor variant.
Genome position (GRCh38, 1-based): chr4:39,231,795, A>C. VCF-style: chr4-39231795-A-C. GRCh37 (hg19) VCF-style: chr4-39233415-A-C.
Other names: c.1503-2A>C (NM_001317924.2).
Identifiers: ClinVar variation 2028358 (VCV002028358.4), dbSNP rs2475202450, ClinGen allele CA356633510.
Genomic context (GRCh38, chr4:39,231,795, plus strand): 5'-GAAAATTGCCTAACATGTGGCAAGTGGAACATTCTGATTAAGCTTATGTTCTTACATCCC[A>C]GGTTTTCTGATGCTTGGGAAATGTGCAGGATTCTGAATGATGAGGCTGCCTGGAATGAGT-3'